The following is an entry in ClinVar:

NM_033305.3(VPS13A):c.337C>T (p.Gln113Ter)

Gene: VPS13A (vacuolar protein sorting 13 homolog A; plus strand). Cytogenetic location: 9q21.2.
Variant type: single nucleotide variant.
Coding change: c.337C>T on transcript NM_033305.3 (MANE Select); coding-DNA position 337, C replaced by T.
Protein change: p.Gln113Ter; replaces glutamine 113 with a stop codon.
Molecular consequence: nonsense.
Genome position (GRCh38, 1-based): chr9:77,206,031, C>T. VCF-style: chr9-77206031-C-T. GRCh37 (hg19) VCF-style: chr9-79820947-C-T.
Other names: c.337C>T, p.Gln113Ter (NM_001018037.2, NM_001018038.3, NM_015186.4); short protein forms Q113*.
Identifiers: ClinVar variation 812513 (VCV000812513.8), dbSNP rs780664594, ClinGen allele CA5091317.

ClinVar aggregate classification (germline): Pathogenic. Review status: criteria provided, multiple submitters, no conflicts (2 of 4 stars). 2 submissions from 2 submitters: Pathogenic (2). Last evaluated 2022-08-16.

Conditions:
VPS13A-related neurodegenerative disease. Also called: ACANTHOCYTOSIS WITH NEUROLOGIC DISORDER; LEVINE-CRITCHLEY SYNDROME; Choreaacanthocytosis; Choreoacanthocytosis; Chorea-acanthocytosis; VPS13A Disease. Identifiers: Orphanet 2388, MedGen C0393576, MONDO:0008695, OMIM 200150.

Allele frequency attached by ClinVar (database versions not stated): ExAC below 0.00001.

Submissions (2):

Labcorp Genetics (formerly Invitae), Labcorp
Classification: Pathogenic. Last evaluated: 2022-08-16. Review status: criteria provided, single submitter. Criteria: Invitae Variant Classification Sherloc (09022015). Collection method: clinical testing. Allele origin: germline.
Comment: For these reasons, this variant has been classified as Pathogenic. ClinVar contains an entry for this variant (Variation ID: 812513). This premature translational stop signal has been observed in individual(s) with choreoacanthocytosis (PMID: 32131761). This variant is not present in population databases (gnomAD no frequency). This sequence change creates a premature translational stop signal (p.Gln113*) in the VPS13A gene. It is expected to result in an absent or disrupted protein product. Loss-of-function variants in VPS13A are known to be pathogenic (PMID: 12404112, 21598378).

Functional Genomic Platform, Centre National pour la Recherche Scientifique et Technique
Classification: Pathogenic for Choreoacanthocytosis. Last evaluated: 2019-11-10. Review status: criteria provided, single submitter. Criteria: ACMG Guidelines, 2015. Collection method: clinical testing. Allele origin: germline. Inheritance: Autosomal recessive inheritance. Affected: yes. Observed: 2 variant alleles, 2 homozygotes. Clinical features observed: Progressive choreoathetosis (HP:0007326).
Comment: The novel homozygous nonsense mutation c.337C>T (p.Gln113*) in exon 5 of PS13A identified in our study is located in the chorein_N domain causing loss of function due to truncated protein. Clinically, the index patients presented hyperkinetic movements with self-injuring which are the main symptoms in choreo-acanthocytosis and can be considered as pathognomonic to the diagnosis. This phenotypic variability has been already documented in many cases of ChAc even in twins and suggests the implication of other modifier genes, epigenetic and environmental factors on the pathogenesis of neuroacanthocytosis as reported before (Yi F et al. 2018).

Literature cited by the submitters: PubMed 32131761 (cited by Labcorp Genetics (formerly Invitae), Labcorp); PubMed 12404112 (cited by Labcorp Genetics (formerly Invitae), Labcorp); PubMed 21598378 (cited by Labcorp Genetics (formerly Invitae), Labcorp).